The following is an entry in ClinVar:

NM_005902.4(SMAD3):c.458T>C (p.Leu153Pro)

Gene: SMAD3 (SMAD family member 3; plus strand). Cytogenetic location: 15q22.33.
Variant type: single nucleotide variant.
Coding change: c.458T>C on transcript NM_005902.4 (MANE Select); coding-DNA position 458, T replaced by C.
Protein change: p.Leu153Pro; replaces leucine 153 with proline.
Molecular consequence: missense variant. On other transcripts: intron variant (2).
Genome position (GRCh38, 1-based): chr15:67,165,310, T>C. VCF-style: chr15-67165310-T-C. GRCh37 (hg19) VCF-style: chr15-67457648-T-C.
Other names: c.143T>C, p.Leu48Pro (NM_001145102.2, NM_001407016.1); c.326T>C, p.Leu109Pro (NM_001145103.2); c.458T>C, p.Leu153Pro (NM_001407011.1, NM_001407013.1); c.311T>C, p.Leu104Pro (NM_001407014.1); c.400+222T>C (NM_001407012.1); c.85+222T>C (NM_001407015.1); short protein forms L104P, L109P, L153P, L48P.
Identifiers: ClinVar variation 4756963 (VCV004756963.1).

ClinVar aggregate classification (germline): Uncertain significance (1 of 4 stars; one submission).

Conditions:
Familial thoracic aortic aneurysm and aortic dissection (TAAD). Also called: Thoracic aortic aneurysms and dissections. Identifiers: Orphanet 91387, MedGen C4707243, MONDO:0019625.

gnomAD v4.1: 1 of 1,614,172 alleles (0.000062%); highest among the groups gnomAD compares: Non-Finnish European, 0.000085%; no homozygotes.

Submission:

Color Diagnostics, LLC DBA Color Health
Classification: Uncertain significance for Familial thoracic aortic aneurysm and aortic dissection. Last evaluated: 2025-06-29. Review status: criteria provided, single submitter. Criteria: ACMG Guidelines, 2015. Collection method: clinical testing. Allele origin: germline.
Comment: This missense variant replaces leucine with proline at codon 153 of the SMAD3 protein. Computational prediction suggests that this variant may have deleterious impact on protein structure and function. To our knowledge, functional studies have not been reported for this variant. This variant has not been reported in individuals affected with SMAD3-related disorders in the literature. This variant has not been identified in the general population by the Genome Aggregation Database (gnomAD). The available evidence is insufficient to determine the role of this variant in disease conclusively. Therefore, this variant is classified as a Variant of Uncertain Significance.